The following is an entry in ClinVar:

NM_000432.4(MYL2):c.172C>G (p.Arg58Gly)

Gene: MYL2 (myosin light chain 2; minus strand). Cytogenetic location: 12q24.11.
Variant type: single nucleotide variant.
Coding change: c.172C>G on transcript NM_000432.4 (MANE Select); coding-DNA position 172, C replaced by G.
Protein change: p.Arg58Gly; replaces arginine 58 with glycine.
Molecular consequence: missense variant.
Genome position (GRCh38, 1-based): chr12:110,914,288, G>C on the plus strand (C>G on the coding strand, the complement: MYL2 is on the minus strand). VCF-style: chr12-110914288-G-C. GRCh37 (hg19) VCF-style: chr12-111352092-G-C.
Other names: c.130C>G, p.Arg44Gly (NM_001406745.1, NM_001406746.1); c.115C>G, p.Arg39Gly (NM_001406916.1); short protein forms R58G, R44G, R39G.
Identifiers: ClinVar variation 2701264 (VCV002701264.3), dbSNP rs756671869, ClinGen allele CA386698865.

ClinVar aggregate classification (germline): Uncertain significance (1 of 4 stars; one submission).

Conditions:
Hypertrophic cardiomyopathy 10. Also called: CARDIOMYOPATHY, HYPERTROPHIC, MID-LEFT VENTRICULAR CHAMBER TYPE, 2; MYL2-Related Familial Hypertrophic Cardiomyopathy. Identifiers: MedGen C1834460, MONDO:0012112, OMIM 608758.

Submission:

Labcorp Genetics (formerly Invitae), Labcorp
Classification: Uncertain significance for Hypertrophic cardiomyopathy 10. Last evaluated: 2025-11-28. Review status: criteria provided, single submitter. Criteria: Invitae Variant Classification Sherloc (09022015). Collection method: clinical testing. Allele origin: germline.
Comment: This sequence change replaces arginine, which is basic and polar, with glycine, which is neutral and non-polar, at codon 58 of the MYL2 protein (p.Arg58Gly). This variant is not present in population databases (gnomAD no frequency). This variant has not been reported in the literature in individuals affected with MYL2-related conditions. ClinVar contains an entry for this variant (Variation ID: 2701264). An algorithm developed to predict the effect of missense changes on protein structure and function (PolyPhen-2) suggests that this variant is likely to be disruptive. This variant disrupts the p.Arg58 amino acid residue in MYL2. Other variant(s) that disrupt this residue have been determined to be pathogenic (PMID: 9535554, 12404107, 12818575, 14594949, 19150977, 20855589, 21723297, 23283745, 23727233, 24111713, 26116789). This suggests that this residue is clinically significant, and that variants that disrupt this residue are likely to be disease-causing. In summary, the available evidence is currently insufficient to determine the role of this variant in disease. Therefore, it has been classified as a Variant of Uncertain Significance.

Literature cited by the submitters: PubMed 9535554; PubMed 12404107; PubMed 12818575; PubMed 14594949; PubMed 19150977; PubMed 20855589; PubMed 21723297; PubMed 23283745; PubMed 23727233; PubMed 24111713; PubMed 26116789.